The following is an entry in ClinVar:

NM_000321.3(RB1):c.1330C>A (p.Gln444Lys)

Gene: RB1 (RB transcriptional corepressor 1; plus strand). Cytogenetic location: 13q14.2.
Variant type: single nucleotide variant.
Coding change: c.1330C>A on transcript NM_000321.3 (MANE Select); coding-DNA position 1330, C replaced by A.
Protein change: p.Gln444Lys; replaces glutamine 444 with lysine.
Molecular consequence: missense variant.
Genome position (GRCh38, 1-based): chr13:48,377,032, C>A. VCF-style: chr13-48377032-C-A. GRCh37 (hg19) VCF-style: chr13-48951168-C-A.
Other names: c.1330C>A, p.Gln444Lys (NM_001407165.1, NM_001407166.1); short protein forms Q444K.
Identifiers: ClinVar variation 2149548 (VCV002149548.5), dbSNP rs2138136807, ClinGen allele CA388162189.

ClinVar aggregate classification (germline): Uncertain significance. Review status: criteria provided, multiple submitters, no conflicts (2 of 4 stars). 2 submissions from 2 submitters: Uncertain significance (2). Last evaluated 2025-05-30.

Conditions:
Retinoblastoma (RB1). Also called: RETINOBLASTOMA, SOMATIC. Identifiers: Orphanet 790, MedGen C0035335, MeSH D012175, MONDO:0008380, OMIM 180200, HP:0009919. Disease mechanism: loss of function. Inheritance: Both sporadic and heritable forms are tested..
Hereditary cancer-predisposing syndrome. Also called: Tumor predisposition; Hereditary neoplastic syndrome; Hereditary Cancer Syndrome; Neoplastic Syndromes, Hereditary. Identifiers: Orphanet 140162, MedGen C0027672, MeSH D009386, MONDO:0015356.

Submissions (2):

Ambry Genetics
Classification: Uncertain significance for Hereditary cancer-predisposing syndrome. Last evaluated: 2025-05-30. Review status: criteria provided, single submitter. Criteria: Ambry Variant Classification Scheme 2023. Collection method: clinical testing. Allele origin: germline.
Comment: The p.Q444K variant (also known as c.1330C>A), located in coding exon 13 of the RB1 gene, results from a C to A substitution at nucleotide position 1330. The glutamine at codon 444 is replaced by lysine, an amino acid with similar properties. This amino acid position is well conserved in available vertebrate species. In addition, the in silico prediction for this alteration is inconclusive. Based on the available evidence, the clinical significance of this variant remains unclear.

Labcorp Genetics (formerly Invitae), Labcorp
Classification: Uncertain significance for Retinoblastoma. Last evaluated: 2022-03-31. Review status: criteria provided, single submitter. Criteria: Invitae Variant Classification Sherloc (09022015). Collection method: clinical testing. Allele origin: germline.
Comment: In summary, the available evidence is currently insufficient to determine the role of this variant in disease. Therefore, it has been classified as a Variant of Uncertain Significance. Algorithms developed to predict the effect of missense changes on protein structure and function (SIFT, PolyPhen-2, Align-GVGD) all suggest that this variant is likely to be tolerated. This variant has not been reported in the literature in individuals affected with RB1-related conditions. This variant is not present in population databases (gnomAD no frequency). This sequence change replaces glutamine, which is neutral and polar, with lysine, which is basic and polar, at codon 444 of the RB1 protein (p.Gln444Lys).